The following is an entry in ClinVar:

ClinVar aggregate classification (germline): Likely pathogenic (1 of 4 stars; one submission).

Submission:

Labcorp Genetics (formerly Invitae), Labcorp
Classification: Likely pathogenic. Last evaluated: 2023-05-18. Review status: criteria provided, single submitter. Criteria: Invitae Variant Classification Sherloc (09022015). Collection method: clinical testing. Allele origin: germline.
Comment: This sequence change replaces leucine, which is neutral and non-polar, with proline, which is neutral and non-polar, at codon 57 of the SLC19A2 protein (p.Leu57Pro). This variant is not present in population databases (gnomAD no frequency). This missense change has been observed in individual(s) with thiamine-responsive megaloblastic anemia (Invitae). In at least one individual the data is consistent with being in trans (on the opposite chromosome) from a pathogenic variant. ClinVar contains an entry for this variant (Variation ID: 1521610). In summary, the currently available evidence indicates that the variant is pathogenic, but additional data are needed to prove that conclusively. Therefore, this variant has been classified as Likely Pathogenic. Advanced modeling of protein sequence and biophysical properties (such as structural, functional, and spatial information, amino acid conservation, physicochemical variation, residue mobility, and thermodynamic stability) performed at Invitae indicates that this missense variant is expected to disrupt SLC19A2 protein function.

NM_006996.3(SLC19A2):c.170T>C (p.Leu57Pro)

Genes: SLC19A2 (solute carrier family 19 member 2; minus strand), LOC129931894 (ATAC-STARR-seq lymphoblastoid silent region 1546; plus strand). Cytogenetic location: 1q24.2.
Variant type: single nucleotide variant.
Coding change: c.170T>C on transcript NM_006996.3 (MANE Select); coding-DNA position 170, T replaced by C.
Protein change: p.Leu57Pro; replaces leucine 57 with proline.
Molecular consequence: missense variant.
Genome position (GRCh38, 1-based): chr1:169,485,597, A>G on the plus strand (T>C on the coding strand, the complement: SLC19A2 is on the minus strand). VCF-style: chr1-169485597-A-G. GRCh37 (hg19) VCF-style: chr1-169454835-A-G.
Other names: c.170T>C, p.Leu57Pro (NM_001319667.1); short protein forms L57P.
Identifiers: ClinVar variation 1521610 (VCV001521610.8), dbSNP rs2101787377, ClinGen allele CA343112136.